The following is an entry in ClinVar:

ClinVar aggregate classification (germline): Likely benign (1 of 4 stars; one submission).

Allele frequency attached by ClinVar (database versions not stated): TOPMed below 0.00001; gnomAD 0.00001; gnomAD exomes 0.00001; ExAC 0.00002; ESP Exome Variant Server 0.00008.
gnomAD v4.1: 16 of 1,600,088 alleles (0.001%); highest among the groups gnomAD compares: Non-Finnish European, 0.0013%; no homozygotes.

Submission:

CeGaT Center for Human Genetics Tuebingen
Classification: Likely benign. Last evaluated: 2024-04-01. Review status: criteria provided, single submitter. Criteria: CeGaT Center For Human Genetics Tuebingen Variant Classification Criteria Version 2. Collection method: clinical testing. Allele origin: germline. Affected: yes. Observed: 1 variant allele.
Comment: NUP107: BP4, BP7

NM_020401.4(NUP107):c.426T>C (p.Arg142=)

Gene: NUP107 (nucleoporin 107; plus strand). Cytogenetic location: 12q15.
Variant type: single nucleotide variant.
Coding change: c.426T>C on transcript NM_020401.4 (MANE Select); coding-DNA position 426, T replaced by C.
Protein change: p.Arg142=; no amino-acid change (arginine 142 retained).
Molecular consequence: synonymous variant.
Genome position (GRCh38, 1-based): chr12:68,692,090, T>C. VCF-style: chr12-68692090-T-C. GRCh37 (hg19) VCF-style: chr12-69085870-T-C.
Other names: c.339T>C, p.Arg113= (NM_001330192.2).
Identifiers: ClinVar variation 3234285 (VCV003234285.20), dbSNP rs373298885, ClinGen allele CA6677410.